The following is an entry in ClinVar:

NM_006904.7(PRKDC):c.7763A>G (p.Glu2588Gly)

Gene: PRKDC (protein kinase, DNA-activated, catalytic subunit; minus strand). Cytogenetic location: 8q11.21.
Variant type: single nucleotide variant.
Coding change: c.7763A>G on transcript NM_006904.7 (MANE Select); coding-DNA position 7763, A replaced by G.
Protein change: p.Glu2588Gly; replaces glutamic acid 2588 with glycine.
Molecular consequence: missense variant.
Genome position (GRCh38, 1-based): chr8:47,836,526, T>C on the plus strand (A>G on the coding strand, the complement: PRKDC is on the minus strand). VCF-style: chr8-47836526-T-C. GRCh37 (hg19) VCF-style: chr8-48749087-T-C.
Other names: c.7763A>G, p.Glu2588Gly (NM_001081640.2); short protein forms E2588G.
Identifiers: ClinVar variation 1760510 (VCV001760510.2), dbSNP rs2551867365, ClinGen allele CA371151530.

ClinVar aggregate classification (germline): Uncertain significance (1 of 4 stars; one submission).

Submission:

Ambry Genetics
Classification: Uncertain significance. Last evaluated: 2022-06-22. Review status: criteria provided, single submitter. Criteria: Ambry Variant Classification Scheme 2023. Collection method: clinical testing. Allele origin: germline.
Comment: The p.E2588G variant (also known as c.7763A>G), located in coding exon 58 of the PRKDC gene, results from an A to G substitution at nucleotide position 7763. The glutamic acid at codon 2588 is replaced by glycine, an amino acid with similar properties. This amino acid position is conserved. Since supporting evidence is limited at this time, the clinical significance of this alteration remains unclear.